The following is an entry in ClinVar:

NM_001384732.1(CPLANE1):c.4443G>C (p.Leu1481Phe)

Genes: CPLANE1 (ciliogenesis and planar polarity effector complex subunit 1; minus strand), LOC129389274 (MPRA-validated peak5227 silencer; plus strand). Cytogenetic location: 5p13.2.
Variant type: single nucleotide variant.
Coding change: c.4443G>C on transcript NM_001384732.1 (MANE Select); coding-DNA position 4443, G replaced by C.
Protein change: p.Leu1481Phe; replaces leucine 1481 with phenylalanine.
Molecular consequence: missense variant.
Genome position (GRCh38, 1-based): chr5:37,184,826, C>G on the plus strand (G>C on the coding strand, the complement: CPLANE1 is on the minus strand). VCF-style: chr5-37184826-C-G. GRCh37 (hg19) VCF-style: chr5-37184928-C-G.
Other names: c.4443G>C, p.Leu1481Phe (NM_023073.4); short protein forms L1481F.
Identifiers: ClinVar variation 1903348 (VCV001903348.5), dbSNP rs1783558633, ClinGen allele CA359499178.

ClinVar aggregate classification (germline): Uncertain significance (1 of 4 stars; one submission).

Allele frequency attached by ClinVar (database versions not stated): gnomAD 0.00001; gnomAD exomes 0.00001; TOPMed 0.00001.
gnomAD v4.1: 5 of 1,612,592 alleles (0.00031%); highest among the groups gnomAD compares: Admixed American, 0.0017%; no homozygotes.

Submission:

Labcorp Genetics (formerly Invitae), Labcorp
Classification: Uncertain significance. Last evaluated: 2022-04-22. Review status: criteria provided, single submitter. Criteria: Invitae Variant Classification Sherloc (09022015). Collection method: clinical testing. Allele origin: germline.
Comment: This sequence change replaces leucine, which is neutral and non-polar, with phenylalanine, which is neutral and non-polar, at codon 1481 of the CPLANE1 protein (p.Leu1481Phe). This variant is not present in population databases (gnomAD no frequency). In summary, the available evidence is currently insufficient to determine the role of this variant in disease. Therefore, it has been classified as a Variant of Uncertain Significance. Advanced modeling of protein sequence and biophysical properties (such as structural, functional, and spatial information, amino acid conservation, physicochemical variation, residue mobility, and thermodynamic stability) performed at Invitae indicates that this missense variant is not expected to disrupt CPLANE1 protein function. This variant has not been reported in the literature in individuals affected with CPLANE1-related conditions.